The following is an entry in ClinVar:

ClinVar aggregate classification (germline): Uncertain significance (1 of 4 stars; one submission).

Submission:

GeneDx
Classification: Uncertain significance. Last evaluated: 2025-08-09. Review status: criteria provided, single submitter. Criteria: GeneDx Variant Classification Process June 2021. Collection method: clinical testing. Allele origin: germline. Affected: yes.
Comment: Not observed at significant frequency in large population cohorts (gnomAD); Frameshift variant predicted to result in protein truncation or nonsense mediated decay in a gene or region of a gene for which loss of function is not a well-established mechanism of disease; Has not been previously published as pathogenic or benign to our knowledge

NM_001112741.2(KCNC1):c.1192dup (p.Met398fs)

Gene: KCNC1 (potassium voltage-gated channel subfamily C member 1; plus strand). Cytogenetic location: 11p15.1.
Variant type: Duplication.
Coding change: c.1192dup on transcript NM_001112741.2 (MANE Select); coding-DNA position 1192, one base duplicated (A; older notation c.1192dupA).
Protein change: p.Met398fs; shifts the reading frame from methionine 398.
Molecular consequence: frameshift variant.
Genome position (GRCh38, 1-based): chr11:17,772,286, A duplicated. VCF-style (leftmost placement, unchanged base first): chr11-17772285-C-CA. GRCh37 (hg19) VCF-style: chr11-17793832-C-CA.
Other names: c.1192dup, p.Met398fs (NM_004976.4); short protein forms M398fs.
Identifiers: ClinVar variation 4755626 (VCV004755626.1).